The following is an entry in ClinVar:

NM_002055.5(GFAP):c.77C>T (p.Ala26Val)

Gene: GFAP (glial fibrillary acidic protein; minus strand). Cytogenetic location: 17q21.31.
Variant type: single nucleotide variant.
Coding change: c.77C>T on transcript NM_002055.5 (MANE Select); coding-DNA position 77, C replaced by T.
Protein change: p.Ala26Val; replaces alanine 26 with valine.
Molecular consequence: missense variant.
Genome position (GRCh38, 1-based): chr17:44,915,410, G>A on the plus strand (C>T on the coding strand, the complement: GFAP is on the minus strand). VCF-style: chr17-44915410-G-A. GRCh37 (hg19) VCF-style: chr17-42992778-G-A.
Other names: NM_002055.5(GFAP):c.77C>T; p.Ala26Val; c.77C>T (NM_002055.4); c.77C>T, p.Ala26Val (NM_001131019.3, NM_001242376.3, NM_001363846.2); short protein forms A26V.
Identifiers: ClinVar variation 1485530 (VCV001485530.11), dbSNP rs139837765, ClinGen allele CA8609113.

ClinVar aggregate classification (germline): Benign. Review status: reviewed by expert panel (3 of 4 stars). 6 submissions from 6 submitters: Benign (1). 5 of the submissions do not count toward it. Last evaluated 2026-10-05.

Conditions:
Inborn genetic diseases. Identifiers: MedGen C0950123, MeSH D030342.
Alexander disease (ALXDRD). Also called: Alexander's disease. Identifiers: Orphanet 58, MedGen C0270726, MONDO:0008752, OMIM 203450.

Allele frequency attached by ClinVar (database versions not stated): TOPMed 0.00005; gnomAD 0.00007; ESP Exome Variant Server 0.00008.
gnomAD v4.1: 89 of 1,607,308 alleles (0.0055%); highest among the groups gnomAD compares: Middle Eastern, 0.15%; no homozygotes.

Submissions (6):

ClinGen Leukodystrophy and Leukoencephalopathy Variant Curation Expert Panel, ClinGen
Classification: Benign for Alexander disease. Last evaluated: 2026-10-05. Review status: reviewed by expert panel. Criteria: ClinGen Leuko ACMG Specifications GFAP V1.0. Collection method: curation. Allele origin: germline. Inheritance: Autosomal dominant inheritance.
Comment: The NM_002055.5(GFAP):c.77C>T variant in GFAP is a missense variant predicted to cause substitution of alanine by valine at amino acid 26 (p.Ala26Val). The GrpMax filtering allele frequency in gnomAD v4.1.1. is 0.00079385, which is higher than the ClinGen Leukodystrophy and Leukoencephalopathy VCEP threshold (>0.0001) for BA1, and therefore meets this criterion (BA1). In summary, this variant meets the criteria to be classified as benign for Alexander Disease based on the ACMP/AMP criteria applied, as specified by the ClinGen Leukodystrophy and Leukoencephalopathy VCEP: BA1 (ClinGen Leukodystrophy and Leukoencephalopathy VCEP Specification Version 1.0.0)

Women's Health and Genetics/Laboratory Corporation of America, LabCorp
Classification: Uncertain significance. Last evaluated: 2026-02-26. Review status: criteria provided, single submitter. Criteria: LabCorp Variant Classification Summary - May 2015. Collection method: clinical testing. Allele origin: germline. Not counted in ClinVar's aggregate classification.
Comment: Variant summary: GFAP c.77C>T (p.Ala26Val) results in a non-conservative amino acid change in the encoded protein sequence. Algorithms developed to predict the effect of missense changes on protein structure and function are either unavailable or do not agree on the potential impact of this missense change. The variant allele was found at a frequency of 7.1e-05 in 240188 control chromosomes. This frequency is not significantly higher than estimated for disease-causing variants in GFAP, allowing no conclusion about variant significance. To our knowledge, no occurrence of c.77C>T in individuals affected with GFAP-related conditions and no experimental evidence demonstrating its impact on protein function have been reported. ClinVar contains an entry for this variant (Variation ID: 1485530). Based on the evidence outlined above, the variant was classified as uncertain significance.

Labcorp Genetics (formerly Invitae), Labcorp
Classification: Uncertain significance. Last evaluated: 2025-12-24. Review status: criteria provided, single submitter. Criteria: Invitae Variant Classification Sherloc (09022015). Collection method: clinical testing. Allele origin: germline. Not counted in ClinVar's aggregate classification.
Comment: This sequence change replaces alanine, which is neutral and non-polar, with valine, which is neutral and non-polar, at codon 26 of the GFAP protein (p.Ala26Val). This variant is present in population databases (rs139837765, gnomAD 0.01%). This variant has not been reported in the literature in individuals affected with GFAP-related conditions. ClinVar contains an entry for this variant (Variation ID: 1485530). Invitae Evidence Modeling of protein sequence and biophysical properties (such as structural, functional, and spatial information, amino acid conservation, physicochemical variation, residue mobility, and thermodynamic stability) indicates that this missense variant is not expected to disrupt GFAP protein function with a negative predictive value of 95%. In summary, the available evidence is currently insufficient to determine the role of this variant in disease. Therefore, it has been classified as a Variant of Uncertain Significance.

Blueprint Genetics
Classification: Likely benign. Last evaluated: 2023-05-30. Review status: criteria provided, single submitter. Criteria: ACMG Guidelines, 2015. Collection method: clinical testing. Allele origin: germline. Not counted in ClinVar's aggregate classification.

Ambry Genetics
Classification: Uncertain significance for Inborn genetic diseases. Last evaluated: 2022-03-23. Review status: criteria provided, single submitter. Criteria: Ambry Variant Classification Scheme 2023. Collection method: clinical testing. Allele origin: germline. Not counted in ClinVar's aggregate classification.

Breakthrough Genomics
Classification: Uncertain significance. Review status: criteria provided, single submitter. Criteria: ACMG Guidelines, 2015. Collection method: not provided. Allele origin: germline. Inheritance: Autosomal dominant inheritance. Affected: yes. Not counted in ClinVar's aggregate classification.